The following is an entry in ClinVar:

ClinVar aggregate classification (germline): Conflicting classifications of pathogenicity. Review status: criteria provided, conflicting classifications (1 of 4 stars). 5 submissions from 5 submitters: Pathogenic (1); Uncertain significance (4). Last evaluated 2025-11-26.

Conditions:
Hypertrophic cardiomyopathy 4. Also called: Familial hypertrophic cardiomyopathy 4. Identifiers: MedGen C1861862, MONDO:0007268, OMIM 115197.
Hypertrophic cardiomyopathy. Also called: HYPERTROPHIC MYOCARDIOPATHY. Identifiers: Orphanet 217569, MedGen C0007194, MeSH D002312, MONDO:0005045, HP:0001639.
Cardiomyopathy (CMYO). Also called: Cardiomyopathies. Identifiers: Orphanet 167848, MedGen C0878544, MONDO:0004994, HP:0001638. Inheritance: Various modes of inheritance.

Allele frequency attached by ClinVar (database versions not stated): TOPMed below 0.00001; gnomAD exomes 0.00001.
gnomAD v4.1: 19 of 1,612,794 alleles (0.0012%); highest among the groups gnomAD compares: Non-Finnish European, 0.0015%; no homozygotes.

Submissions (5):

Labcorp Genetics (formerly Invitae), Labcorp
Classification: Pathogenic for Hypertrophic cardiomyopathy. Last evaluated: 2025-11-26. Review status: criteria provided, single submitter. Criteria: Invitae Variant Classification Sherloc (09022015). Collection method: clinical testing. Allele origin: germline.
Comment: This sequence change replaces arginine, which is basic and polar, with tryptophan, which is neutral and slightly polar, at codon 470 of the MYBPC3 protein (p.Arg470Trp). This variant is not present in population databases (gnomAD no frequency). This missense change has been observed in individuals with hypertrophic cardiomyopathy (PMID: 33782553). ClinVar contains an entry for this variant (Variation ID: 1677581). An algorithm developed to predict the effect of missense changes on protein structure and function (PolyPhen-2) suggests that this variant is likely to be disruptive. This variant disrupts the p.Arg470 amino acid residue in MYBPC3. Other variant(s) that disrupt this residue have been observed in individuals with MYBPC3-related conditions (PMID: 23233322, 29398688, 33782553), which suggests that this may be a clinically significant amino acid residue. For these reasons, this variant has been classified as Pathogenic.

3billion
Classification: Uncertain significance for Hypertrophic cardiomyopathy 4. Last evaluated: 2025-06-13. Review status: criteria provided, single submitter. Criteria: ACMG Guidelines, 2015. Collection method: clinical testing. Allele origin: germline. Affected: yes.
Comment: The variant is observed at an extremely low frequency in the gnomAD v4.1.0 dataset (total allele frequency: 0.001%). Predicted Consequence/Location: Missense variant In silico tool predictions suggest damaging effect of the variant on gene or gene product [REVEL: 0.68 (>=0.6, sensitivity 0.68 and specificity 0.92)]. The same nucleotide change resulting in the same amino acid change has been previously reported to be associated with MYBPC3-related disorder (ClinVar ID: VCV001677581 /PMID: 18533079).Different missense changes at the same codon (p.Arg470Gln, p.Arg470Pro) have been reported to be associated with MYBPC3-related disorder (PMID: 21415409, 23233322). However the evidence of pathogenicity is insufficient at this time. Therefore, this variant is classified as VUS according to the recommendation of ACMG/AMP guideline.

Blueprint Genetics
Classification: Uncertain significance. Last evaluated: 2024-08-08. Review status: criteria provided, single submitter. Criteria: ACMG Guidelines, 2015. Collection method: clinical testing. Allele origin: germline.

Color Diagnostics, LLC DBA Color Health
Classification: Uncertain significance for Cardiomyopathy. Last evaluated: 2023-06-23. Review status: criteria provided, single submitter. Criteria: ACMG Guidelines, 2015. Collection method: clinical testing. Allele origin: germline.
Comment: This missense variant replaces arginine with tryptophan at codon 470 of the MYBPC3 protein. Computational prediction is inconclusive regarding the impact of this variant on protein structure and function (internally defined REVEL score threshold 0.5 < inconclusive < 0.7, PMID: 27666373). To our knowledge, functional studies have not been reported for this variant. This variant has been reported in individuals affected with hypertrophic cardiomyopathy (PMID: 18533079, 25524337, 33782553). This variant has not been identified in the general population by the Genome Aggregation Database (gnomAD). The available evidence is insufficient to determine the role of this variant in disease conclusively. Therefore, this variant is classified as a Variant of Uncertain Significance.

AiLife Diagnostics
Classification: Uncertain significance. Last evaluated: 2021-10-21. Review status: criteria provided, single submitter. Criteria: ACMG Guidelines, 2015. Collection method: clinical testing. Allele origin: germline. Affected: yes. Observed: 1 variant allele.

Literature cited by the submitters: PubMed 33782553 (cited by 3 submitters); PubMed 23233322 (cited by Labcorp Genetics (formerly Invitae), Labcorp); PubMed 29398688 (cited by Labcorp Genetics (formerly Invitae), Labcorp); PubMed 18533079 (cited by 3 submitters); PubMed 21415409 (cited by 3billion); PubMed 25524337 (cited by Color Diagnostics, LLC DBA Color Health).

NM_000256.3(MYBPC3):c.1408C>T (p.Arg470Trp)

Gene: MYBPC3 (myosin binding protein C3; minus strand). Cytogenetic location: 11p11.2.
Variant type: single nucleotide variant.
Coding change: c.1408C>T on transcript NM_000256.3 (MANE Select); coding-DNA position 1408, C replaced by T.
Protein change: p.Arg470Trp; replaces arginine 470 with tryptophan.
Molecular consequence: missense variant.
Genome position (GRCh38, 1-based): chr11:47,342,879, G>A on the plus strand (C>T on the coding strand, the complement: MYBPC3 is on the minus strand). VCF-style: chr11-47342879-G-A. GRCh37 (hg19) VCF-style: chr11-47364430-G-A.
Other names: short protein forms R470W.
Identifiers: ClinVar variation 1677581 (VCV001677581.10), dbSNP rs1595846365, ClinGen allele CA380326001.